The following is an entry in ClinVar:

ClinVar aggregate classification (germline): Uncertain significance (0 of 4 stars; one submission).

Conditions:
Intellectual disability, autosomal recessive 53 (NEDHSCA). Also called: GLYCOSYLPHOSPHATIDYLINOSITOL BIOSYNTHESIS DEFECT 13; Mental retardation, autosomal recessive 53; NEURODEVELOPMENTAL DISORDER WITH OR WITHOUT HYPOTONIA, SEIZURES, AND CEREBELLAR ATROPHY. Identifiers: Orphanet 488635, MedGen C4310794, MONDO:0014832, OMIM 616917.

Submission:

Foundation for Research in Genetics and Endocrinology, FRIGE's Institute of Human Genetics
Classification: Uncertain significance for Intellectual disability, autosomal recessive 53. Last evaluated: 2018-11-12. Review status: no assertion criteria provided. Collection method: clinical testing. Allele origin: germline. Inheritance: Autosomal recessive inheritance. Affected: yes. Observed: 1 homozygote.
Comment: The observed variant c.1830T>A (p.Cys610Ter) has not been reported in 1000 Genomes and ExAC databases. The in silico prediction of the given variant is damaging by MutationTaster2.

NM_001127178.3(PIGG):c.1830T>A (p.Cys610Ter)

Gene: PIGG (phosphatidylinositol glycan anchor biosynthesis class G (EMM blood group); plus strand). Cytogenetic location: 4p16.3.
Variant type: single nucleotide variant.
Coding change: c.1830T>A on transcript NM_001127178.3 (MANE Select); coding-DNA position 1830, T replaced by A.
Protein change: p.Cys610Ter; replaces cysteine 610 with a stop codon.
Molecular consequence: nonsense. On other transcripts: non-coding transcript variant (6).
Genome position (GRCh38, 1-based): chr4:523,674, T>A. VCF-style: chr4-523674-T-A. GRCh37 (hg19) VCF-style: chr4-517463-T-A.
Other names: c.1563T>A, p.Cys521Ter (NM_001289051.2, NM_001345986.2); c.1431T>A, p.Cys477Ter (NM_001289052.2); c.1539T>A, p.Cys513Ter (NM_001345987.2); c.801T>A, p.Cys267Ter (NM_001345988.2); c.297T>A, p.Cys99Ter (NM_001345990.2, NM_001345991.2); c.732T>A, p.Cys244Ter (NM_001345994.2); c.1806T>A, p.Cys602Ter (NM_017733.5); short protein forms C610*, C267*, C477*, C244*, C521*, C602*, C99*, C513*.
Identifiers: ClinVar variation 599037 (VCV000599037.2), dbSNP rs1560343436, ClinGen allele CA355907389.